The following is an entry in ClinVar:

ClinVar aggregate classification (germline): Conflicting classifications of pathogenicity. Review status: criteria provided, conflicting classifications (1 of 4 stars). 9 submissions from 9 submitters: Uncertain significance (5); Uncertain risk allele (1); Likely benign (2). 1 of the submissions does not count toward it. Last evaluated 2025-09-10.

Conditions:
Monogenic diabetes. Identifiers: Orphanet 183625, MedGen C3888631, MONDO:0015967.
Cardiovascular phenotype. Identifiers: MedGen CN230736.
Alstrom syndrome (ALMS). Identifiers: Orphanet 64, MedGen C0268425, MONDO:0008763, OMIM 203800.

Allele frequency attached by ClinVar (database versions not stated): gnomAD exomes 0.00006 and 0.00009; ExAC 0.00012; gnomAD 0.00045 and 0.00048; 1000 Genomes Project 30x 0.00047; TOPMed 0.00058; ESP Exome Variant Server 0.00067.
gnomAD v4.1: 155 of 1,614,124 alleles (0.0096%); highest among the groups gnomAD compares: African/African-American, 0.19%; no homozygotes.

Submissions (9):

GeneDx
Classification: Uncertain significance. Last evaluated: 2025-09-10. Review status: criteria provided, single submitter. Criteria: GeneDx Variant Classification Process June 2021. Collection method: clinical testing. Allele origin: germline. Affected: yes.
Comment: Has not been previously published as pathogenic or benign to our knowledge; In silico analysis supports that this missense variant has a deleterious effect on protein structure/function; This variant is associated with the following publications: (PMID: 25846608, 30421101, 34148947, 33669459)

Women's Health and Genetics/Laboratory Corporation of America, LabCorp
Classification: Uncertain significance. Last evaluated: 2024-06-17. Review status: criteria provided, single submitter. Criteria: LabCorp Variant Classification Summary - May 2015. Collection method: clinical testing. Allele origin: germline.

Blueprint Genetics
Classification: Uncertain significance. Last evaluated: 2023-04-19. Review status: criteria provided, single submitter. Criteria: ACMG Guidelines, 2015. Collection method: clinical testing. Allele origin: germline.

Labcorp Genetics (formerly Invitae), Labcorp
Classification: Uncertain significance for Alstrom syndrome. Last evaluated: 2022-11-02. Review status: criteria provided, single submitter. Criteria: Invitae Variant Classification Sherloc (09022015). Collection method: clinical testing. Allele origin: germline.
Comment: This sequence change replaces glutamic acid, which is acidic and polar, with alanine, which is neutral and non-polar, at codon 205 of the ALMS1 protein (p.Glu205Ala). This variant is present in population databases (rs200054604, gnomAD 0.1%). This variant has not been reported in the literature in individuals affected with ALMS1-related conditions. ClinVar contains an entry for this variant (Variation ID: 241006). Experimental studies and prediction algorithms are not available or were not evaluated, and the functional significance of this variant is currently unknown. In summary, the available evidence is currently insufficient to determine the role of this variant in disease. Therefore, it has been classified as a Variant of Uncertain Significance.

Ambry Genetics
Classification: Likely benign for Cardiovascular phenotype. Last evaluated: 2021-10-14. Review status: criteria provided, single submitter. Criteria: Ambry Variant Classification Scheme 2023. Collection method: clinical testing. Allele origin: germline.

Personalized Diabetes Medicine Program, University of Maryland School of Medicine
Classification: Likely benign for Monogenic diabetes. Last evaluated: 2018-11-21. Review status: criteria provided, single submitter. Criteria: ACMG Guidelines, 2015. Collection method: research. Allele origin: unknown. Observed: 3 variant alleles, 3 heterozygotes.
Comment: ACMG criteria: BP4 (REVEL 0.110 + 6 predictors), BP1 (missense in gene where truncating cause disease)= Likely benign *Note: some descrepancy in the c. and p.nomenclatures based on NM version changes(c.611 vs c.614 and p.204 vs p.205)

Genetic Services Laboratory, University of Chicago
Classification: Uncertain significance. Last evaluated: 2018-09-12. Review status: criteria provided, single submitter. Criteria: ACMG Guidelines, 2015. Collection method: clinical testing. Allele origin: germline. Affected: no.

Clinical Genomics, Uppaluri K&H Personalized Medicine Clinic
Classification: Uncertain risk allele for Alstrom syndrome. Review status: criteria provided, single submitter. Criteria: K & H Uppaluri Personalized Medicine Clinic Variant Classification & Assertion Criteria_Updated V.1. Collection method: research. Allele origin: unknown. Inheritance: Autosomal recessive inheritance.
Comment: Potent mutations in ALMS1 are associated with a rare condition called Alstrom syndrome. It can cause excessive eating, insulin resistance. However, no evidence is found to ascertain the role of rs200054604 in Alstrom syndrome yet.

Natera, Inc.
Classification: Uncertain significance for Alstrom syndrome. Last evaluated: 2019-11-11. Review status: no assertion criteria provided. Collection method: clinical testing. Allele origin: germline. Not counted in ClinVar's aggregate classification.

Literature cited by the submitters: PubMed 34148947 (cited by Clinical Genomics, Uppaluri K&H Personalized Medicine Clinic); PubMed 25846608 (cited by Clinical Genomics, Uppaluri K&H Personalized Medicine Clinic); PubMed 30421101 (cited by Clinical Genomics, Uppaluri K&H Personalized Medicine Clinic); PubMed 33669459 (cited by Clinical Genomics, Uppaluri K&H Personalized Medicine Clinic).

NM_001378454.1(ALMS1):c.611A>C (p.Glu204Ala)

Gene: ALMS1 (ALMS1 centrosome and basal body associated protein; plus strand). Cytogenetic location: 2p13.1.
Variant type: single nucleotide variant.
Coding change: c.611A>C on transcript NM_001378454.1 (MANE Select); coding-DNA position 611, A replaced by C.
Protein change: p.Glu204Ala; replaces glutamic acid 204 with alanine.
Molecular consequence: missense variant.
Genome position (GRCh38, 1-based): chr2:73,419,283, A>C. VCF-style: chr2-73419283-A-C. GRCh37 (hg19) VCF-style: chr2-73646411-A-C.
Other names: c.614A>C, p.Glu205Ala (NM_015120.4); short protein forms E205A, E204A.
Identifiers: ClinVar variation 241006 (VCV000241006.22), dbSNP rs200054604, ClinGen allele CA1712898.